The following is an entry in ClinVar:

NM_000080.4(CHRNE):c.876del (p.Ile294fs)

Genes: CHRNE (cholinergic receptor nicotinic epsilon subunit; minus strand), C17orf107 (chromosome 17 open reading frame 107; plus strand). Cytogenetic location: 17p13.2.
Variant type: Deletion.
Coding change: c.876del on transcript NM_000080.4 (MANE Select); coding-DNA position 876, one base deleted (G; older notation c.876delG).
Protein change: p.Ile294fs; shifts the reading frame from isoleucine 294.
Molecular consequence: frameshift variant. On other transcripts: 3 prime UTR variant (1).
Genome position (GRCh38, 1-based): chr17:4,900,834, C deleted on the plus strand (G on the coding strand, the reverse complement: CHRNE is on the minus strand). VCF-style (leftmost placement, unchanged base first): chr17-4900833-TC-T. GRCh37 (hg19) VCF-style: chr17-4804128-TC-T.
Other names: c.*301del (NM_001145536.2); c.876del (NM_000080.3); short protein forms I294fs.
Identifiers: ClinVar variation 2680779 (VCV002680779.3), dbSNP rs2507553104, ClinGen allele CA2695201225.

ClinVar aggregate classification (germline): Pathogenic/Likely pathogenic. Review status: criteria provided, multiple submitters, no conflicts (2 of 4 stars). 3 submissions from 3 submitters: Pathogenic (2); Likely pathogenic (1). Last evaluated 2025-08-12.

Conditions:
Congenital myasthenic syndrome (CMS). Also called: Congenital Myasthenic Syndromes. Identifiers: Orphanet 590, MedGen C0751882, MeSH D020294, MONDO:0018940.
Congenital myasthenic syndrome 4A. Also called: CONGENITAL MYASTHENIC SYNDROME TYPE Ia1; Myasthenic syndrome, congenital, 4a, slow-channel; MYASTHENIC SYNDROME, CONGENITAL, 4A, SLOW-CHANNEL, AUTOSOMAL RECESSIVE. Identifiers: Orphanet 590, MedGen C4225413, MONDO:0011600, OMIM 605809.

Submissions (3):

Myriad Genetics, Inc.
Classification: Pathogenic for Congenital myasthenic syndrome. Last evaluated: 2025-08-12. Review status: criteria provided, single submitter. Criteria: Myriad Autosomal Dominant, Autosomal Recessive and X-Linked Classification Criteria (2023). Collection method: clinical testing. Allele origin: unknown.
Comment: NM_000080.3(CHRNE):c.876delG(I294Sfs*6) is a frameshift variant classified as pathogenic in the context of congenital myasthenic syndrome, CHRNE-related. I294Sfs*6 has not been observed in cases with relevant disease. Relevant functional assessments of this variant are not available in the literature. I294Sfs*6 has not been observed in referenced population frequency databases. In summary, NM_000080.3(CHRNE):c.876delG(I294Sfs*6) is a frameshift variant in a gene where loss of function is a known mechanism of disease and is predicted to disrupt protein function. Please note: this variant was assessed in the context of healthy population screening.

Natera, Inc.
Classification: Likely pathogenic for Congenital myasthenic syndrome. Last evaluated: 2024-08-28. Review status: criteria provided, single submitter. Criteria: Natera Variant Classification Schema (03/2026). Collection method: clinical testing. Allele origin: germline.
Comment: The c.876del variant in CHRNE is a frameshift variant predicted to shift the reading frame beginning at codon 294 and leads to a stop codon 6 codons downstream. This variant is expected to result in nonsense mediated decay, truncation, or a dysfunctional protein product. This variant is rare in the general population with a frequency below the threshold expected for the associated phenotype(s). Given the available evidence, this variant is classified as Likely Pathogenic.

Baylor Genetics
Classification: Pathogenic for Congenital myasthenic syndrome 4A. Last evaluated: 2023-08-21. Review status: criteria provided, single submitter. Criteria: ACMG Guidelines, 2015. Collection method: clinical testing. Allele origin: unknown.